The following is an entry in ClinVar:

ClinVar aggregate classification (germline): Benign. Review status: criteria provided, single submitter (1 of 4 stars). 2 submissions from 2 submitters: Benign (1). 1 of the submissions does not count toward it. Last evaluated 2025-12-26.

Conditions:
PLCB4-related disorder. Also called: PLCB4-related condition.

Submissions (4):

Labcorp Genetics (formerly Invitae), Labcorp
Classification: Benign. Last evaluated: 2025-12-26. Review status: criteria provided, single submitter. Criteria: Invitae Variant Classification Sherloc (09022015). Collection method: clinical testing. Allele origin: germline.

PreventionGenetics, part of Exact Sciences
Classification: Benign for PLCB4-related condition. Last evaluated: 2024-03-05. Review status: no assertion criteria provided. Collection method: clinical testing. Allele origin: germline. Not counted in ClinVar's aggregate classification.
Comment: This variant is classified as benign based on ACMG/AMP sequence variant interpretation guidelines (Richards et al. 2015 PMID: 25741868, with internal and published modifications).

Dr. Peter K. Rogan Lab, Western University
No classification provided (evidence only). Condition: Colorectal cancer. Review status: no classification provided. Collection method: in vitro. Allele origin: not applicable. Functional consequence: retained intron. Not counted in ClinVar's aggregate classification.

Dr. Peter K. Rogan Lab, Western University
No classification provided (evidence only). Condition: Colorectal cancer. Review status: no classification provided. Collection method: in vitro. Allele origin: not applicable. Functional consequence: retained intron. Not counted in ClinVar's aggregate classification.

NM_001377142.1(PLCB4):c.2525-8del

Gene: PLCB4 (phospholipase C beta 4; plus strand). Cytogenetic location: 20p12.2.
Variant type: Deletion.
Coding change: c.2525-8del on transcript NM_001377142.1 (MANE Select); 8 bases into the intron before coding-DNA position 2525, one base deleted (T; older notation c.2525-8delT).
Molecular consequence: intron variant.
Genome position (GRCh38, 1-based): chr20:9,435,552, T deleted; the last of 9 consecutive T bases (chr20:9,435,544-9,435,552); deleting any one gives the same sequence. VCF-style (leftmost placement, unchanged base first): chr20-9435543-GT-G. GRCh37 (hg19) VCF-style: chr20-9416190-GT-G.
Other names: NC_000020.10:g.9416199del; c.2489-8del (NM_001377134.2, NM_000933.4, NM_182797.3 and 2 more transcripts); c.2525-8del (NM_001377143.1, NM_001172646.2); c.2489-8delT (NM_000933.3).
Identifiers: ClinVar variation 1971010 (VCV001971010.8), dbSNP rs145071397, ClinGen allele CA9761405.